The following is an entry in ClinVar:

NM_003722.5(TP63):c.1582C>T (p.Pro528Ser)

Gene: TP63 (tumor protein p63; plus strand). Cytogenetic location: 3q28.
Variant type: single nucleotide variant.
Coding change: c.1582C>T on transcript NM_003722.5 (MANE Select); coding-DNA position 1582, C replaced by T.
Protein change: p.Pro528Ser; replaces proline 528 with serine.
Molecular consequence: missense variant. On other transcripts: intron variant (4).
Genome position (GRCh38, 1-based): chr3:189,889,414, C>T. VCF-style: chr3-189889414-C-T. GRCh37 (hg19) VCF-style: chr3-189607203-C-T.
Other names: c.1582C>T, p.Pro528Ser (NM_001114978.2); c.1300C>T, p.Pro434Ser (NM_001114980.2, NM_001114981.2); c.1045C>T, p.Pro349Ser (NM_001329146.2); c.1570C>T, p.Pro524Ser (NM_001329148.2); c.1576C>T, p.Pro526Ser (NM_001329964.2); c.1507+2863C>T (NM_001329144.2); c.1225+2863C>T (NM_001329145.2); c.1213+2863C>T (NM_001329149.2); and 1 more; short protein forms P434S, P528S, P349S, P524S, P526S.
Identifiers: ClinVar variation 4987115 (VCV004987115.1).

ClinVar aggregate classification (germline): Uncertain significance (1 of 4 stars; one submission).

Conditions:
TP63-related disorder. Also called: TP63-related condition; TP63-Related Disorders. Identifiers: MedGen CN380159.

gnomAD v4.1: 4 of 1,614,136 alleles (0.00025%); highest among the groups gnomAD compares: African/African-American, 0.0027%; no homozygotes.

Submission:

PreventionGenetics, part of Exact Sciences
Classification: Uncertain significance for TP63-related condition. Last evaluated: 2025-04-02. Review status: criteria provided, single submitter. Criteria: ACMG Guidelines, 2015. Collection method: clinical testing. Allele origin: germline.
Comment: The TP63 c.1582C>T variant is predicted to result in the amino acid substitution p.Pro528Ser. To our knowledge, this variant has not been reported in the literature or in a large population database (gnomAD), indicating this variant is rare. At this time, the clinical significance of this variant is uncertain due to the absence of conclusive functional and genetic evidence.